The following is an entry in ClinVar:

ClinVar aggregate classification (germline): Pathogenic (1 of 4 stars; one submission).

Conditions:
Curry-Hall syndrome (WAD). Also called: WEYERS ACRODENTAL DYSOSTOSIS. Identifiers: Orphanet 952, MedGen C0457013, MONDO:0008673, OMIM 193530.
Ellis-van Creveld syndrome (EVC). Also called: EVC-Related Ellis-van Creveld Syndrome; EVC2-Related Ellis-van Creveld Syndrome; MESOECTODERMAL DYSPLASIA; Chondroectodermal dysplasia. Identifiers: Orphanet 289, MedGen C0013903, MONDO:0009162, OMIM 225500.

Submission:

Labcorp Genetics (formerly Invitae), Labcorp
Classification: Pathogenic for Curry-Hall syndrome; Ellis-van Creveld syndrome. Last evaluated: 2024-01-09. Review status: criteria provided, single submitter. Criteria: Invitae Variant Classification Sherloc (09022015). Collection method: clinical testing. Allele origin: germline.
Comment: This sequence change creates a premature translational stop signal (p.Gln761Argfs*46) in the EVC2 gene. It is expected to result in an absent or disrupted protein product. Loss-of-function variants in EVC2 are known to be pathogenic (PMID: 17024374, 19810119, 19876929). This variant is not present in population databases (gnomAD no frequency). This variant has not been reported in the literature in individuals affected with EVC2-related conditions. For these reasons, this variant has been classified as Pathogenic.

Literature cited by the submitters: PubMed 17024374; PubMed 19810119; PubMed 19876929.

NM_147127.5(EVC2):c.2281del (p.Gln761fs)

Gene: EVC2 (EvC ciliary complex subunit 2; minus strand). Cytogenetic location: 4p16.2.
Variant type: Deletion.
Coding change: c.2281del on transcript NM_147127.5 (MANE Select); coding-DNA position 2281, one base deleted (C; older notation c.2281delC).
Protein change: p.Gln761fs; shifts the reading frame from glutamine 761.
Molecular consequence: frameshift variant.
Genome position (GRCh38, 1-based): chr4:5,622,757, G deleted on the plus strand (C on the coding strand, the reverse complement: EVC2 is on the minus strand); the first of 3 consecutive G bases (chr4:5,622,757-5,622,759); deleting any one gives the same sequence. VCF-style (leftmost placement, unchanged base first): chr4-5622756-TG-T. GRCh37 (hg19) VCF-style: chr4-5624483-TG-T.
Other names: c.2041del, p.Gln681fs (NM_001166136.2); short protein forms Q761fs, Q681fs.
Identifiers: ClinVar variation 2922067 (VCV002922067.3), dbSNP rs2475374973, ClinGen allele CA2740091134.